The following is an entry in ClinVar:

NM_000535.7(PMS2):c.208G>A (p.Asp70Asn)

Gene: PMS2 (PMS1 homolog 2, mismatch repair system component; minus strand). Cytogenetic location: 7p22.1.
Variant type: single nucleotide variant.
Coding change: c.208G>A on transcript NM_000535.7 (MANE Select); coding-DNA position 208, G replaced by A.
Protein change: p.Asp70Asn; replaces aspartic acid 70 with asparagine.
Molecular consequence: missense variant. On other transcripts: 5 prime UTR variant (11), non-coding transcript variant (1).
Genome position (GRCh38, 1-based): chr7:6,004,014, C>T on the plus strand (G>A on the coding strand, the complement: PMS2 is on the minus strand). VCF-style: chr7-6004014-C-T. GRCh37 (hg19) VCF-style: chr7-6043645-C-T.
Other names: c.-198G>A (NM_001018040.1, NM_001322003.2, NM_001322004.2 and 14 more transcripts); c.208G>A, p.Asp70Asn (NM_001322006.2, NM_001322014.2, NM_001406868.1 and 10 more transcripts); c.-8G>A (NM_001322007.2, NM_001322008.2, NM_001406876.1 and 4 more transcripts); c.-677G>A (NM_001322011.2, NM_001322012.2); c.-277G>A (NM_001322015.2, NM_001406875.1, NM_001406877.1 and 3 more transcripts); c.394G>A, p.Asp132Asn (NM_001406866.1); c.-224G>A (NM_001406880.1); c.-174G>A (NM_001406881.1, NM_001406900.1); and 2 more; short protein forms D70N, D132N.
Identifiers: ClinVar variation 1785716 (VCV001785716.2), dbSNP rs2128830025, ClinGen allele CA366744850.

ClinVar aggregate classification (germline): Uncertain significance (1 of 4 stars; one submission).

Conditions:
Hereditary cancer-predisposing syndrome. Also called: Neoplastic Syndromes, Hereditary; Tumor predisposition; Hereditary Cancer Syndrome; Hereditary neoplastic syndrome. Identifiers: Orphanet 140162, MedGen C0027672, MeSH D009386, MONDO:0015356.

Submission:

Ambry Genetics
Classification: Uncertain significance for Hereditary cancer-predisposing syndrome. Last evaluated: 2020-09-23. Review status: criteria provided, single submitter. Criteria: Ambry Variant Classification Scheme 2023. Collection method: clinical testing. Allele origin: germline.
Comment: The p.D70N variant (also known as c.208G>A), located in coding exon 3 of the PMS2 gene, results from a G to A substitution at nucleotide position 208. The aspartic acid at codon 70 is replaced by asparagine, an amino acid with highly similar properties. This variant demonstrated deficient MMR activity in three different complementation assays (R&auml;schle M et al. J. Biol. Chem., 2002 Jun;277:21810-20; Borr&agrave;s E et al. J. Med. Genet., 2013 Aug;50:552-63; Gonz&aacute;lez-Acosta M et al. Fam. Cancer, 2017 Oct;16:501-507). This amino acid position is highly conserved in available vertebrate species. In addition, this alteration is predicted to be deleterious by in silico analysis. Since supporting evidence is limited at this time, the clinical significance of this alteration remains unclear.

Literature cited by the submitters: PubMed 11948175; PubMed 23709753; PubMed 28135145; PubMed 28365877.